The following is an entry in ClinVar:

NM_020975.6(RET):c.359C>T (p.Thr120Ile)

Gene: RET (ret proto-oncogene; plus strand). Cytogenetic location: 10q11.21.
Variant type: single nucleotide variant.
Coding change: c.359C>T on transcript NM_020975.6 (MANE Select); coding-DNA position 359, C replaced by T.
Protein change: p.Thr120Ile; replaces threonine 120 with isoleucine.
Molecular consequence: missense variant.
Genome position (GRCh38, 1-based): chr10:43,102,363, C>T. VCF-style: chr10-43102363-C-T. GRCh37 (hg19) VCF-style: chr10-43597811-C-T.
Other names: c.359C>T, p.Thr120Ile (NM_000323.2, NM_001406772.1, NM_001406773.1 and 16 more transcripts); short protein forms T120I.
Identifiers: ClinVar variation 1733047 (VCV001733047.2), dbSNP rs2132677935, ClinGen allele CA376770659.

ClinVar aggregate classification (germline): Uncertain significance (1 of 4 stars; one submission).

Conditions:
Hereditary cancer-predisposing syndrome. Also called: Neoplastic Syndromes, Hereditary; Tumor predisposition; Hereditary Cancer Syndrome; Hereditary neoplastic syndrome. Identifiers: Orphanet 140162, MedGen C0027672, MeSH D009386, MONDO:0015356.

Submission:

Ambry Genetics
Classification: Uncertain significance for Hereditary cancer-predisposing syndrome. Last evaluated: 2022-04-11. Review status: criteria provided, single submitter. Criteria: Ambry Variant Classification Scheme 2023. Collection method: clinical testing. Allele origin: germline.
Comment: The p.T120I variant (also known as c.359C>T), located in coding exon 3 of the RET gene, results from a C to T substitution at nucleotide position 359. The threonine at codon 120 is replaced by isoleucine, an amino acid with similar properties. This amino acid position is conserved. In addition, the in silico prediction for this alteration is inconclusive. Since supporting evidence is limited at this time, the clinical significance of this alteration remains unclear.